The following is an entry in ClinVar:

ClinVar aggregate classification (germline): Uncertain significance (1 of 4 stars; one submission).

Conditions:
Severe combined immunodeficiency due to DNA-PKcs deficiency. Also called: Immunodeficiency 26 with or without neurologic abnormalities; IMMUNODEFICIENCY 26 WITH NEUROLOGIC ABNORMALITIES. Identifiers: Orphanet 317425, MedGen C4014833, MONDO:0014423, OMIM 615966.

Submission:

Labcorp Genetics (formerly Invitae), Labcorp
Classification: Uncertain significance for Severe combined immunodeficiency due to DNA-PKcs deficiency. Last evaluated: 2022-06-10. Review status: criteria provided, single submitter. Criteria: Invitae Variant Classification Sherloc (09022015). Collection method: clinical testing. Allele origin: germline.
Comment: This sequence change replaces glutamine, which is neutral and polar, with lysine, which is basic and polar, at codon 978 of the PRKDC protein (p.Gln978Lys). In summary, the available evidence is currently insufficient to determine the role of this variant in disease. Therefore, it has been classified as a Variant of Uncertain Significance. Experimental studies and prediction algorithms are not available or were not evaluated, and the functional significance of this variant is currently unknown. This variant has not been reported in the literature in individuals affected with PRKDC-related conditions. This variant is not present in population databases (gnomAD no frequency).

NM_006904.7(PRKDC):c.2932C>A (p.Gln978Lys)

Gene: PRKDC (protein kinase, DNA-activated, catalytic subunit; minus strand). Cytogenetic location: 8q11.21.
Variant type: single nucleotide variant.
Coding change: c.2932C>A on transcript NM_006904.7 (MANE Select); coding-DNA position 2932, C replaced by A.
Protein change: p.Gln978Lys; replaces glutamine 978 with lysine.
Molecular consequence: missense variant.
Genome position (GRCh38, 1-based): chr8:47,912,412, G>T on the plus strand (C>A on the coding strand, the complement: PRKDC is on the minus strand). VCF-style: chr8-47912412-G-T. GRCh37 (hg19) VCF-style: chr8-48824972-G-T.
Other names: c.2932C>A, p.Gln978Lys (NM_001081640.2); short protein forms Q978K.
Identifiers: ClinVar variation 2000459 (VCV002000459.4), dbSNP rs2551876635, ClinGen allele CA371158581.